The following is an entry in ClinVar:

NM_138694.4(PKHD1):c.8871A>G (p.Ile2957Met)

Gene: PKHD1 (PKHD1 ciliary IPT domain containing fibrocystin/polyductin; minus strand). Cytogenetic location: 6p12.3.
Variant type: single nucleotide variant.
Coding change: c.8871A>G on transcript NM_138694.4 (MANE Select); coding-DNA position 8871, A replaced by G.
Protein change: p.Ile2957Met; replaces isoleucine 2957 with methionine.
Molecular consequence: missense variant.
Genome position (GRCh38, 1-based): chr6:51,753,280, T>C on the plus strand (A>G on the coding strand, the complement: PKHD1 is on the minus strand). VCF-style: chr6-51753280-T-C. GRCh37 (hg19) VCF-style: chr6-51618078-T-C.
Other names: c.8871A>G, p.Ile2957Met (NM_170724.3); short protein forms I2957M.
Identifiers: ClinVar variation 2414818 (VCV002414818.9), dbSNP rs1453006216, ClinGen allele CA364426932.

ClinVar aggregate classification (germline): Conflicting classifications of pathogenicity. Review status: criteria provided, conflicting classifications (1 of 4 stars). 3 submissions from 3 submitters: Likely pathogenic (2); Uncertain significance (1). Last evaluated 2025-12-22.

Conditions:
Autosomal recessive polycystic kidney disease (ARPKD). Also called: AR polycystic kidney disease. Identifiers: Orphanet 731, Orphanet 8378, MedGen C0085548, MeSH D017044, MONDO:0009889.
Polycystic kidney disease 4 (PKD4). Also called: PKD3; POLYCYSTIC KIDNEY AND HEPATIC DISEASE 1; POLYCYSTIC KIDNEY DISEASE, INFANTILE, TYPE I; POLYCYSTIC KIDNEY DISEASE 4 WITH OR WITHOUT POLYCYSTIC LIVER DISEASE; Autosomal Recessive Polycystic Kidney Disease – PKHD1. Identifiers: MedGen C4540575, MONDO:0033004, OMIM 263200.

Allele frequency attached by ClinVar (database versions not stated): gnomAD exomes below 0.00001.
gnomAD v4.1: 2 of 1,613,778 alleles (0.00012%); highest among the groups gnomAD compares: South Asian, 0.0022%; no homozygotes.

Submissions (3):

3billion
Classification: Likely pathogenic for Polycystic kidney disease 4. Last evaluated: 2025-12-22. Review status: criteria provided, single submitter. Criteria: ACMG Guidelines, 2015. Collection method: clinical testing. Allele origin: germline. Affected: yes.
Comment: The variant is observed at an extremely low frequency in the gnomAD v4.1.0 dataset (total allele frequency: <0.001%). Predicted Consequence/Location: Missense variant. The majority of the known disease-causing variants of this gene are variants expected to result in premature termination of the protein. In silico tool predictions suggest damaging effect of the variant on gene or gene product [REVEL: 0.62 (>=0.6, sensitivity 0.68 and specificity 0.92); 3Cnet: 0.80 (> 0.75, sensitivity 0.96 and precision 0.92)]. The same nucleotide change resulting in the same amino acid change has been previously reported to be associated with PKHD1-related disorder (ClinVar ID: VCV002414818). A different missense change at the same codon (p.Ile2957Thr) has been reported as pathogenic/likely pathogenic with strong evidence (ClinVar ID: VCV000357423 /PMID: 11919560). Therefore, this variant is classified as Likely pathogenic according to the recommendation of ACMG/AMP guideline.

Labcorp Genetics (formerly Invitae), Labcorp
Classification: Likely pathogenic for Autosomal recessive polycystic kidney disease. Last evaluated: 2024-12-16. Review status: criteria provided, single submitter. Criteria: Invitae Variant Classification Sherloc (09022015). Collection method: clinical testing. Allele origin: germline.
Comment: This sequence change replaces isoleucine, which is neutral and non-polar, with methionine, which is neutral and non-polar, at codon 2957 of the PKHD1 protein (p.Ile2957Met). This variant is not present in population databases (gnomAD no frequency). This missense change has been observed in individual(s) with clinical features of polycystic kidney disease (internal data). ClinVar contains an entry for this variant (Variation ID: 2414818). Invitae Evidence Modeling of protein sequence and biophysical properties (such as structural, functional, and spatial information, amino acid conservation, physicochemical variation, residue mobility, and thermodynamic stability) has been performed for this missense variant. However, the output from this modeling did not meet the statistical confidence thresholds required to predict the impact of this variant on PKHD1 protein function. This variant disrupts the p.Ile2957 amino acid residue in PKHD1. Other variant(s) that disrupt this residue have been determined to be pathogenic (PMID: 11898128, 11919560, 12506140, 15698423, 15805161, 19914852, 27225849). This suggests that this residue is clinically significant, and that variants that disrupt this residue are likely to be disease-causing. In summary, the currently available evidence indicates that the variant is pathogenic, but additional data are needed to prove that conclusively. Therefore, this variant has been classified as Likely Pathogenic.

Fulgent Genetics
Classification: Uncertain significance for Polycystic kidney disease 4. Last evaluated: 2024-02-13. Review status: criteria provided, single submitter. Criteria: ACMG Guidelines, 2015. Collection method: clinical testing. Allele origin: germline.

Literature cited by the submitters: PubMed 11919560 (cited by 3billion and Labcorp Genetics (formerly Invitae), Labcorp); PubMed 11898128 (cited by Labcorp Genetics (formerly Invitae), Labcorp); PubMed 12506140 (cited by Labcorp Genetics (formerly Invitae), Labcorp); PubMed 15698423 (cited by Labcorp Genetics (formerly Invitae), Labcorp); PubMed 15805161 (cited by Labcorp Genetics (formerly Invitae), Labcorp); PubMed 19914852 (cited by Labcorp Genetics (formerly Invitae), Labcorp); PubMed 27225849 (cited by Labcorp Genetics (formerly Invitae), Labcorp).